The following is an entry in ClinVar:

ClinVar aggregate classification (germline): Pathogenic (1 of 4 stars; one submission).

Conditions:
Primary ciliary dyskinesia. Also called: Ciliary dyskinesia. Identifiers: Orphanet 244, MedGen C0008780, MONDO:0016575, HP:0012265.

Submission:

Labcorp Genetics (formerly Invitae), Labcorp
Classification: Pathogenic for Primary ciliary dyskinesia. Last evaluated: 2024-02-02. Review status: criteria provided, single submitter. Criteria: Invitae Variant Classification Sherloc (09022015). Collection method: clinical testing. Allele origin: germline.
Comment: This sequence change creates a premature translational stop signal (p.Leu177*) in the DNAI1 gene. It is expected to result in an absent or disrupted protein product. Loss-of-function variants in DNAI1 are known to be pathogenic (PMID: 16858015, 29363216). This variant is not present in population databases (gnomAD no frequency). This variant has not been reported in the literature in individuals affected with DNAI1-related conditions. For these reasons, this variant has been classified as Pathogenic.

Literature cited by the submitters: PubMed 16858015; PubMed 29363216.

NM_012144.4(DNAI1):c.530del (p.Glu176_Leu177insTer)

Gene: DNAI1 (dynein axonemal intermediate chain 1; plus strand). Cytogenetic location: 9p13.3.
Variant type: Deletion.
Coding change: c.530del on transcript NM_012144.4 (MANE Select); coding-DNA position 530, one base deleted (T; older notation c.530delT).
Protein change: p.Glu176_Leu177insTer.
Molecular consequence: nonsense.
Genome position (GRCh38, 1-based): chr9:34,490,397, T deleted; the last of 2 consecutive T bases (chr9:34,490,396-34,490,397); deleting either gives the same sequence. VCF-style (leftmost placement, unchanged base first): chr9-34490395-AT-A. GRCh37 (hg19) VCF-style: chr9-34490393-AT-A.
Other names: c.542del, p.Glu180_Leu181insTer (NM_001281428.2).
Identifiers: ClinVar variation 3638232 (VCV003638232.2).
Genomic context (GRCh38, chr9:34,490,395, plus strand): 5'-GCTGATTCCTGATCCTCTGGGTCTTTATTTTCAGGCAGCTGAAAAAGTGACTGAAGAAGA[AT>A]TGATGACTCCTAAGCAGCCCAAGGAGAGAAAGCTCACTAACCAGTTCAACTTCAGTGAGA-3'